The following is an entry in ClinVar:

NM_001365088.1(SLC12A6):c.1549C>A (p.Pro517Thr)

Gene: SLC12A6 (solute carrier family 12 member 6; minus strand). Cytogenetic location: 15q14.
Variant type: single nucleotide variant.
Coding change: c.1549C>A on transcript NM_001365088.1 (MANE Select); coding-DNA position 1549, C replaced by A.
Protein change: p.Pro517Thr; replaces proline 517 with threonine.
Molecular consequence: missense variant.
Genome position (GRCh38, 1-based): chr15:34,250,673, G>T on the plus strand (C>A on the coding strand, the complement: SLC12A6 is on the minus strand). VCF-style: chr15-34250673-G-T. GRCh37 (hg19) VCF-style: chr15-34542874-G-T.
Other names: c.1372C>A, p.Pro458Thr (NM_001042494.2, NM_001042495.2); c.1522C>A, p.Pro508Thr (NM_001042496.2); c.1504C>A, p.Pro502Thr (NM_001042497.2); c.1396C>A, p.Pro466Thr (NM_005135.2); c.1549C>A, p.Pro517Thr (NM_133647.2); short protein forms P508T, P466T, P458T, P502T, P517T.
Identifiers: ClinVar variation 2171377 (VCV002171377.2), dbSNP rs1034215903, ClinGen allele CA391605592.
Genomic context (GRCh38, chr15:34,250,673, plus strand): 5'-GATCCATAAAAAGGATACAAACAAAGGAGGTGGTCAGGATGGCAAGGATAGTACCAATCG[G>T]AATAGACTTCTGAGCATCTTTCAGATCTCCAGATCTGTTTGATCCAGCCATGATACCTTT-3'
Protein context (NP_001352017.1, residues 507-527): GDLKDAQKSI[Pro517Thr]IGTILAILTT

ClinVar aggregate classification (germline): Uncertain significance. Review status: criteria provided, multiple submitters, no conflicts (2 of 4 stars). 2 submissions from 2 submitters: Uncertain significance (2). Last evaluated 2026-07-01.

gnomAD v4.1: 1 of 1,605,488 alleles (0.000062%); highest among the groups gnomAD compares: Admixed American, 0.0017%; no homozygotes.

Submissions (2):

CeGaT Center for Human Genetics Tuebingen
Classification: Uncertain significance. Last evaluated: 2026-07-01. Review status: criteria provided, single submitter. Criteria: CeGaT Center For Human Genetics Tuebingen Variant Classification Criteria Version 2. Collection method: clinical testing. Allele origin: germline. Affected: yes. Observed: 1 variant allele.
Comment: SLC12A6: PM2, PP3

Labcorp Genetics (formerly Invitae), Labcorp
Classification: Uncertain significance. Last evaluated: 2022-06-15. Review status: criteria provided, single submitter. Criteria: Invitae Variant Classification Sherloc (09022015). Collection method: clinical testing. Allele origin: germline.
Comment: This sequence change replaces proline, which is neutral and non-polar, with threonine, which is neutral and polar, at codon 517 of the SLC12A6 protein (p.Pro517Thr). This variant is present in population databases (no rsID available, gnomAD 0.003%). This variant has not been reported in the literature in individuals affected with SLC12A6-related conditions. Advanced modeling of protein sequence and biophysical properties (such as structural, functional, and spatial information, amino acid conservation, physicochemical variation, residue mobility, and thermodynamic stability) performed at Invitae indicates that this missense variant is expected to disrupt SLC12A6 protein function. In summary, the available evidence is currently insufficient to determine the role of this variant in disease. Therefore, it has been classified as a Variant of Uncertain Significance.